The following is an entry in ClinVar:

ClinVar aggregate classification (germline): Uncertain significance. Review status: criteria provided, multiple submitters, no conflicts (2 of 4 stars). 2 submissions from 2 submitters: Uncertain significance (2). Last evaluated 2025-03-07.

Conditions:
Inborn genetic diseases. Identifiers: MedGen C0950123, MeSH D030342.
Megaconial type congenital muscular dystrophy (MDCMC). Also called: CHKB-Related Muscular Dystrophy; CHKB-Related Muscle Diseases; MUSCULAR DYSTROPHY, CONGENITAL, WITH MITOCHONDRIAL STRUCTURAL ABNORMALITIES. Identifiers: Orphanet 280671, MedGen C1865233, MONDO:0011246, OMIM 602541.

Allele frequency attached by ClinVar (database versions not stated): TOPMed 0.00001; ExAC 0.00002; gnomAD 0.00003.
gnomAD v4.1: 8 of 1,594,018 alleles (0.0005%); highest among the groups gnomAD compares: African/African-American, 0.0094%; no homozygotes.

Submissions (2):

Ambry Genetics
Classification: Uncertain significance for Inborn genetic diseases. Last evaluated: 2025-03-07. Review status: criteria provided, single submitter. Criteria: Ambry Variant Classification Scheme 2023. Collection method: clinical testing. Allele origin: germline.

Labcorp Genetics (formerly Invitae), Labcorp
Classification: Uncertain significance for Megaconial type congenital muscular dystrophy. Last evaluated: 2022-03-10. Review status: criteria provided, single submitter. Criteria: Invitae Variant Classification Sherloc (09022015). Collection method: clinical testing. Allele origin: germline.
Comment: This sequence change replaces glycine, which is neutral and non-polar, with glutamic acid, which is acidic and polar, at codon 12 of the CHKB protein (p.Gly12Glu). This variant is present in population databases (rs746317833, gnomAD 0.01%). This variant has not been reported in the literature in individuals affected with CHKB-related conditions. Algorithms developed to predict the effect of missense changes on protein structure and function are either unavailable or do not agree on the potential impact of this missense change (SIFT: "Tolerated"; PolyPhen-2: "Not Available"; Align-GVGD: "Class C0"). In summary, the available evidence is currently insufficient to determine the role of this variant in disease. Therefore, it has been classified as a Variant of Uncertain Significance.

NM_005198.5(CHKB):c.35G>A (p.Gly12Glu)

Genes: CHKB (choline kinase beta; minus strand), CHKB-CPT1B (CHKB-CPT1B readthrough (NMD candidate); minus strand). Cytogenetic location: 22q13.33.
Variant type: single nucleotide variant.
Coding change: c.35G>A on transcript NM_005198.5 (MANE Select); coding-DNA position 35, G replaced by A.
Protein change: p.Gly12Glu; replaces glycine 12 with glutamic acid.
Molecular consequence: missense variant. On other transcripts: non-coding transcript variant (1).
Genome position (GRCh38, 1-based): chr22:50,582,747, C>T on the plus strand (G>A on the coding strand, the complement: CHKB is on the minus strand). VCF-style: chr22-50582747-C-T. GRCh37 (hg19) VCF-style: chr22-51021176-C-T.
Other names: short protein forms G12E.
Identifiers: ClinVar variation 2043161 (VCV002043161.5), dbSNP rs746317833, ClinGen allele CA10323925.
Genomic context (GRCh38, chr22:50,582,747, plus strand): 5'-GTAGTGTCCGGGCACTTAGACTGCTGCAAGCCGTCTTTGGCCAGGCAGCCGCCAACAGCC[C>T]CGCTTCCGGCCACAGCTGTCGCCTCGGCCGCCATGGCGCGGGCTCGACCGGGCCCCAGGC-3'
Protein context (NP_005189.2, residues 2-22): AAEATAVAGS[Gly12Glu]AVGGCLAKDG